The following is an entry in ClinVar:

NM_001005361.3(DNM2):c.1010G>T (p.Gly337Val)

Gene: DNM2 (dynamin 2; plus strand). Cytogenetic location: 19p13.2.
Variant type: single nucleotide variant.
Coding change: c.1010G>T on transcript NM_001005361.3 (MANE Select); coding-DNA position 1010, G replaced by T.
Protein change: p.Gly337Val; replaces glycine 337 with valine.
Molecular consequence: missense variant.
Genome position (GRCh38, 1-based): chr19:10,793,737, G>T. VCF-style: chr19-10793737-G-T. GRCh37 (hg19) VCF-style: chr19-10904413-G-T.
Other names: c.1010G>T, p.Gly337Val (NM_001005360.3, NM_001005362.3, NM_001190716.2 and 1 more transcripts); short protein forms G337V.
Identifiers: ClinVar variation 647344 (VCV000647344.8), dbSNP rs767838513, ClinGen allele CA404047843.

ClinVar aggregate classification (germline): Uncertain significance (1 of 4 stars; one submission).

Conditions:
Charcot-Marie-Tooth disease dominant intermediate B (CMTDIB). Also called: CHARCOT-MARIE-TOOTH NEUROPATHY, DOMINANT INTERMEDIATE B; Charcot-Marie-Tooth disease dominant intermediate I; Charcot-Marie-Tooth disease dominant intermediate 1; CMT DI1. Identifiers: Orphanet 100044, Orphanet 228179, MedGen C1847902, MONDO:0011674, OMIM 606482.

Submission:

Labcorp Genetics (formerly Invitae), Labcorp
Classification: Uncertain significance for Charcot-Marie-Tooth disease dominant intermediate B. Last evaluated: 2018-11-17. Review status: criteria provided, single submitter. Criteria: Invitae Variant Classification Sherloc (09022015). Collection method: clinical testing. Allele origin: germline.
Comment: This sequence change replaces glycine with valine at codon 337 of the DNM2 protein (p.Gly337Val). The glycine residue is moderately conserved and there is a moderate physicochemical difference between glycine and valine. In summary, the available evidence is currently insufficient to determine the role of this variant in disease. Therefore, it has been classified as a Variant of Uncertain Significance. Algorithms developed to predict the effect of missense changes on protein structure and function are either unavailable or do not agree on the potential impact of this missense change (SIFT: "Tolerated"; PolyPhen-2: "Probably Damaging"; Align-GVGD: "Class C0"). This variant has not been reported in the literature in individuals with DNM2-related disease. This variant is not present in population databases (ExAC no frequency).